The following is an entry in ClinVar:

NC_000008.10:g.(?_41905876)_(42188497_?)dup

Genes: AP3M2 (adaptor related protein complex 3 subunit mu 2; plus strand), IKBKB (inhibitor of nuclear factor kappa B kinase subunit beta; plus strand), KAT6A (lysine acetyltransferase 6A; minus strand), PLAT (plasminogen activator, tissue type; minus strand). Cytogenetic location: 8p11.21.
Variant type: Duplication.
Identifiers: ClinVar variation 1061009 (VCV001061009.1).

ClinVar aggregate classification (germline): Uncertain significance (1 of 4 stars; one submission).

Conditions:
Severe combined immunodeficiency due to IKK2 deficiency. Also called: Immunodeficiency 15; IMMUNODEFICIENCY 15B. Identifiers: Orphanet 397787, MedGen C4747743, MONDO:0014267, OMIM 615592.

Submission:

Labcorp Genetics (formerly Invitae), Labcorp
Classification: Uncertain significance for Severe combined immunodeficiency due to IKK2 deficiency. Last evaluated: 2020-10-07. Review status: criteria provided, single submitter. Criteria: Invitae Variant Classification Sherloc (09022015). Collection method: clinical testing. Allele origin: germline.
Comment: This variant results in a copy number gain of the genomic region encompassing the full coding sequence of the IKBKB gene. The boundaries of this event are unknown as they extend beyond the assayed region for this gene and therefore may encompass additional genes. As the precise location of this event is unknown, it may be in tandem or it may be located elsewhere in the genome. This variant has not been reported in the literature in individuals with IKBKB-related conditions. In summary, the available evidence is currently insufficient to determine the role of this variant in disease. Therefore, it has been classified as a Variant of Uncertain Significance.